The following is an entry in ClinVar:

ClinVar aggregate classification (germline): Uncertain significance. Review status: criteria provided, multiple submitters, no conflicts (2 of 4 stars). 4 submissions from 2 submitters: Uncertain significance (4). Last evaluated 2023-06-26.

Conditions:
Central core myopathy (CMYO1A). Also called: Central core disease; Myopathy, central fibrillar; CONGENITAL MYOPATHY 1A, AUTOSOMAL DOMINANT, WITH SUSCEPTIBILITY TO MALIGNANT HYPERTHERMIA. Identifiers: Orphanet 597, MedGen C5830701, MONDO:0007294, OMIM 117000.
Congenital multicore myopathy with external ophthalmoplegia (CMYO1B). Also called: MULTICORE MYOPATHY; MULTIMINICORE DISEASE WITH EXTERNAL OPHTHALMOPLEGIA; Minicore myopathy with external ophthalmoplegia; Congenital myopathy 1B, autosomal recessive; Minicore myopathy. Identifiers: Orphanet 598, Orphanet 98905, MedGen C1850674, MONDO:0009712, OMIM 255320, HP:0003789.
Malignant hyperthermia, susceptibility to, 1 (MHS1). Also called: Anesthesia related hyperthermia; Malignant hyperpyrexia; Fulminating hyperpyrexia; Pharmacogenic myopathy; RYR1-Related Malignant Hyperthermia Susceptibility; Malignant hyperthermia suceptibility 1. Identifiers: Orphanet 423, MedGen C2930980, MONDO:0007783, OMIM 145600.

Allele frequency attached by ClinVar (database versions not stated): TOPMed below 0.00001; gnomAD 0.00001; gnomAD exomes 0.00001.
gnomAD v4.1: 13 of 1,614,110 alleles (0.00081%); highest among the groups gnomAD compares: Non-Finnish European, 0.0011%; no homozygotes.

Submissions (4):

All of Us Research Program, National Institutes of Health
Classification: Uncertain significance for Malignant hyperthermia, susceptibility to, 1. Last evaluated: 2023-06-26. Review status: criteria provided, single submitter. Criteria: ACMG Guidelines, 2015. Collection method: clinical testing. Allele origin: germline. Inheritance: Autosomal dominant inheritance. Observed: 1 variant allele, 1 heterozygote.
Comment: This missense variant replaces lysine with arginine at codon 4758 of the RYR1 protein. Computational prediction suggests that this variant may not impact protein structure and function (internally defined REVEL score threshold <= 0.5, PMID: 27666373). To our knowledge, functional studies have not been reported for this variant. This variant has not been reported in individuals affected with RYR1-related disorders in the literature. This variant has not been identified in the general population by the Genome Aggregation Database (gnomAD). The available evidence is insufficient to determine the role of this variant in disease conclusively. Therefore, this variant is classified as a Variant of Uncertain Significance.

This study involves interpretation of variants in research participants for the purpose of population health screening. Participant phenotype was not available at the time of variant classification. Additional details can be found in publication PMID: 35346344, PMCID: PMC8962531

Illumina Laboratory Services, Illumina
Classification: Uncertain significance for Malignant hyperthermia, susceptibility to, 1. Last evaluated: 2018-01-13. Review status: criteria provided, single submitter. Criteria: ICSL Variant Classification Criteria 13 December 2019. Collection method: clinical testing. Allele origin: germline.

Illumina Laboratory Services, Illumina
Classification: Uncertain significance for Central core myopathy. Last evaluated: 2018-01-13. Review status: criteria provided, single submitter. Criteria: ICSL Variant Classification Criteria 13 December 2019. Collection method: clinical testing. Allele origin: germline.

Illumina Laboratory Services, Illumina
Classification: Uncertain significance for Congenital multicore myopathy with external ophthalmoplegia. Last evaluated: 2018-01-13. Review status: criteria provided, single submitter. Criteria: ICSL Variant Classification Criteria 13 December 2019. Collection method: clinical testing. Allele origin: germline.

NM_000540.3(RYR1):c.14273A>G (p.Lys4758Arg)

Gene: RYR1 (ryanodine receptor 1; plus strand). Cytogenetic location: 19q13.2.
Variant type: single nucleotide variant.
Coding change: c.14273A>G on transcript NM_000540.3 (MANE Select); coding-DNA position 14273, A replaced by G.
Protein change: p.Lys4758Arg; replaces lysine 4758 with arginine.
Molecular consequence: missense variant.
Genome position (GRCh38, 1-based): chr19:38,578,018, A>G. VCF-style: chr19-38578018-A-G. GRCh37 (hg19) VCF-style: chr19-39068658-A-G.
Other names: c.14258A>G, p.Lys4753Arg (NM_001042723.2); short protein forms K4753R, K4758R.
Identifiers: ClinVar variation 894276 (VCV000894276.5), dbSNP rs1974034199, ClinGen allele CA405684743.